The following is an entry in ClinVar:

NM_004360.5(CDH1):c.456_457delinsTT (p.Gln152_Lys153delinsHisTer)

Gene: CDH1 (cadherin 1; plus strand). Cytogenetic location: 16q22.1.
Variant type: Indel.
Coding change: c.456_457delinsTT on transcript NM_004360.5 (MANE Select); coding-DNA positions 456 to 457, GA replaced by TT.
Protein change: p.Gln152_Lys153delinsHisTer.
Molecular consequence: nonsense. On other transcripts: 5 prime UTR variant (2).
Genome position (GRCh38, 1-based): chr16:68,808,492-68,808,493, GA replaced by TT. VCF-style: chr16-68808492-GA-TT. GRCh37 (hg19) VCF-style: chr16-68842395-GA-TT.
Other names: c.456_457delinsTT, p.Gln152_Lys153delinsHisTer (NM_001317184.2); c.-1160_-1159delinsTT (NM_001317185.2); c.-1364_-1363delinsTT (NM_001317186.2).
Identifiers: ClinVar variation 2583459 (VCV002583459.2), dbSNP rs2543914667, ClinGen allele CA2582342566.

ClinVar aggregate classification (germline): Pathogenic (1 of 4 stars; one submission).

Conditions:
Hereditary diffuse gastric adenocarcinoma (HDGC). Also called: DIFFUSE GASTRIC AND LOBULAR BREAST CANCER SYNDROME. Identifiers: Orphanet 26106, MedGen C1708349, MONDO:0007648, OMIM 137215.

Submission:

Myriad Genetics, Inc.
Classification: Pathogenic for Hereditary diffuse gastric adenocarcinoma. Last evaluated: 2023-06-09. Review status: criteria provided, single submitter. Criteria: Myriad Autosomal Dominant, Autosomal Recessive and X-Linked Classification Criteria (2023). Collection method: clinical testing. Allele origin: unknown.
Comment: This variant is considered pathogenic. This variant creates a termination codon and is predicted to result in premature protein truncation.